The following is an entry in ClinVar:

ClinVar aggregate classification (germline): Uncertain significance. Review status: criteria provided, multiple submitters, no conflicts (2 of 4 stars). 2 submissions from 2 submitters: Uncertain significance (2). Last evaluated 2025-04-30.

Conditions:
Cardiovascular phenotype. Identifiers: MedGen CN230736.
Long QT syndrome (LQTS). Identifiers: MedGen C0023976, MeSH D008133, MONDO:0002442. Disease mechanism: loss of function. Inheritance: Various modes of inheritance.

Allele frequency attached by ClinVar (database versions not stated): gnomAD exomes below 0.00001; TOPMed 0.00005.
gnomAD v4.1: 2 of 1,613,628 alleles (0.00012%); highest among the groups gnomAD compares: South Asian, 0.0011%; no homozygotes.

Submissions (2):

Ambry Genetics
Classification: Uncertain significance for Cardiovascular phenotype. Last evaluated: 2025-04-30. Review status: criteria provided, single submitter. Criteria: Ambry Variant Classification Scheme 2023. Collection method: clinical testing. Allele origin: germline.
Comment: The p.E569G variant (also known as c.1706A>G), located in coding exon 8 of the AKAP9 gene, results from an A to G substitution at nucleotide position 1706. The glutamic acid at codon 569 is replaced by glycine, an amino acid with similar properties. This amino acid position is conserved. In addition, this alteration is predicted to be tolerated by in silico analysis. Based on the available evidence, the clinical significance of this variant remains unclear.

Labcorp Genetics (formerly Invitae), Labcorp
Classification: Uncertain significance for Long QT syndrome. Last evaluated: 2024-12-22. Review status: criteria provided, single submitter. Criteria: Invitae Variant Classification Sherloc (09022015). Collection method: clinical testing. Allele origin: germline.
Comment: This sequence change replaces glutamic acid, which is acidic and polar, with glycine, which is neutral and non-polar, at codon 569 of the AKAP9 protein (p.Glu569Gly). This variant is present in population databases (no rsID available, gnomAD 0.003%). This variant has not been reported in the literature in individuals affected with AKAP9-related conditions. ClinVar contains an entry for this variant (Variation ID: 1360914). An algorithm developed to predict the effect of missense changes on protein structure and function (PolyPhen-2) suggests that this variant is likely to be tolerated. In summary, the available evidence is currently insufficient to determine the role of this variant in disease. Therefore, it has been classified as a Variant of Uncertain Significance.

NM_005751.5(AKAP9):c.1706A>G (p.Glu569Gly)

Gene: AKAP9 (A-kinase anchoring protein 9; plus strand). Cytogenetic location: 7q21.2.
Variant type: single nucleotide variant.
Coding change: c.1706A>G on transcript NM_005751.5 (MANE Select); coding-DNA position 1706, A replaced by G.
Protein change: p.Glu569Gly; replaces glutamic acid 569 with glycine.
Molecular consequence: missense variant.
Genome position (GRCh38, 1-based): chr7:92,001,623, A>G. VCF-style: chr7-92001623-A-G. GRCh37 (hg19) VCF-style: chr7-91630937-A-G.
Other names: c.1706A>G (NM_005751.4); c.1706A>G, p.Glu569Gly (NM_147185.3); short protein forms E569G.
Identifiers: ClinVar variation 1360914 (VCV001360914.9), dbSNP rs1440127984, ClinGen allele CA368122400.